The following is an entry in ClinVar:

ClinVar aggregate classification (germline): Likely benign (0 of 4 stars; one submission).

Conditions:
CABIN1-related disorder. Also called: CABIN1-related condition.

Allele frequency attached by ClinVar (database versions not stated): gnomAD 0.00001; gnomAD exomes 0.00002; ExAC 0.00004; TOPMed 0.00004; ESP Exome Variant Server 0.00008.
gnomAD v4.1: 22 of 1,612,838 alleles (0.0014%); highest among the groups gnomAD compares: Middle Eastern, 0.016%; no homozygotes.

Submission:

PreventionGenetics, part of Exact Sciences
Classification: Likely benign for CABIN1-related condition. Last evaluated: 2019-05-20. Review status: no assertion criteria provided. Collection method: clinical testing. Allele origin: germline.
Comment: This variant is classified as likely benign based on ACMG/AMP sequence variant interpretation guidelines (Richards et al. 2015 PMID: 25741868, with internal and published modifications).

NM_012295.4(CABIN1):c.5658G>A (p.Ser1886=)

Gene: CABIN1 (calcineurin binding protein 1; plus strand). Cytogenetic location: 22q11.23.
Variant type: single nucleotide variant.
Coding change: c.5658G>A on transcript NM_012295.4 (MANE Select); coding-DNA position 5658, G replaced by A.
Protein change: p.Ser1886=; no amino-acid change (serine 1886 retained).
Molecular consequence: synonymous variant.
Genome position (GRCh38, 1-based): chr22:24,167,289, G>A. VCF-style: chr22-24167289-G-A. GRCh37 (hg19) VCF-style: chr22-24563257-G-A.
Other names: c.5658G>A, p.Ser1886= (NM_001199281.1); c.5508G>A, p.Ser1836= (NM_001201429.2).
Identifiers: ClinVar variation 3039693 (VCV003039693.2), dbSNP rs375076677, ClinGen allele CA10149798.